The following is an entry in ClinVar:

NM_014264.5(PLK4):c.2707_2710del (p.Thr903fs)

Gene: PLK4 (polo like kinase 4; plus strand). Cytogenetic location: 4q28.1.
Variant type: Deletion.
Coding change: c.2707_2710del on transcript NM_014264.5 (MANE Select); coding-DNA positions 2707 to 2710, 4 bases deleted (ACTA; older notation c.2707_2710delACTA).
Protein change: p.Thr903fs; shifts the reading frame from threonine 903.
Molecular consequence: frameshift variant.
Genome position (GRCh38, 1-based): chr4:127,896,804-127,896,807, ACTA deleted; deleting any 4 consecutive bases within chr4:127,896,802-127,896,807 gives the same sequence; the c. name uses the placement nearest the transcript's 3' end. VCF-style (leftmost placement, unchanged base first): chr4-127896801-TTAAC-T. GRCh37 (hg19) VCF-style: chr4-128817956-TTAAC-T.
Other names: c.2611_2614del, p.Thr871fs (NM_001190799.2); c.2584_2587del, p.Thr862fs (NM_001190801.2); short protein forms T862fs, T871fs, T903fs.
Identifiers: ClinVar variation 2017890 (VCV002017890.4), dbSNP rs2546026570, ClinGen allele CA2580071512.

ClinVar aggregate classification (germline): Likely pathogenic (1 of 4 stars; one submission).

Submission:

Labcorp Genetics (formerly Invitae), Labcorp
Classification: Likely pathogenic. Last evaluated: 2022-07-21. Review status: criteria provided, single submitter. Criteria: Invitae Variant Classification Sherloc (09022015). Collection method: clinical testing. Allele origin: germline.
Comment: In summary, the currently available evidence indicates that the variant is pathogenic, but additional data are needed to prove that conclusively. Therefore, this variant has been classified as Likely Pathogenic. Other variant(s) that result in disruption of the C-terminus (c.2811-5C>G, resulting in Arg936Serfs*1) have been determined to be pathogenic (25344692). This suggests that this variant may also be clinically significant and likely to be disease-causing. Algorithms developed to predict the effect of sequence changes on RNA splicing suggest that this variant may create or strengthen a splice site. This variant has not been reported in the literature in individuals affected with PLK4-related conditions. This variant is not present in population databases (gnomAD no frequency). This sequence change creates a premature translational stop signal (p.Thr903Valfs*57) in the PLK4 gene. While this is not anticipated to result in nonsense mediated decay, it is expected to disrupt the last 68 amino acid(s) of the PLK4 protein.